The following is an entry in ClinVar:

NM_022114.4(PRDM16):c.2749G>T (p.Asp917Tyr)

Gene: PRDM16 (PR/SET domain 16; plus strand). Cytogenetic location: 1p36.32.
Variant type: single nucleotide variant.
Coding change: c.2749G>T on transcript NM_022114.4 (MANE Select); coding-DNA position 2749, G replaced by T.
Protein change: p.Asp917Tyr; replaces aspartic acid 917 with tyrosine.
Molecular consequence: missense variant.
Genome position (GRCh38, 1-based): chr1:3,417,885, G>T. VCF-style: chr1-3417885-G-T. GRCh37 (hg19) VCF-style: chr1-3334449-G-T.
Other names: c.2749G>T, p.Asp917Tyr (NM_199454.3); short protein forms D917Y.
Identifiers: ClinVar variation 1417710 (VCV001417710.6), dbSNP rs2100675937, ClinGen allele CA338001437.
Genomic context (GRCh38, chr1:3,417,885, plus strand): 5'-CAGATGTCAGCCATAGAGACCATGACAGAGAAGCTGGAGAGCTTTGCAGCCATGAAGGCG[G>T]ACTCGGGCAGCTCCCTGCAGCCCCTCCCCCACCACCCCTTCAACTTCCGGTCCCCACCCC-3'
Protein context (NP_071397.3, residues 907-927): KLESFAAMKA[Asp917Tyr]SGSSLQPLPH

ClinVar aggregate classification (germline): Uncertain significance (1 of 4 stars; one submission).

Conditions:
Left ventricular noncompaction 8 (LVNC8). Identifiers: Orphanet 154, Orphanet 54260, MedGen C3809288, MONDO:0014152, OMIM 615373.

Submission:

Labcorp Genetics (formerly Invitae), Labcorp
Classification: Uncertain significance for Left ventricular noncompaction 8. Last evaluated: 2021-09-29. Review status: criteria provided, single submitter. Criteria: Invitae Variant Classification Sherloc (09022015). Collection method: clinical testing. Allele origin: germline.
Comment: In summary, the available evidence is currently insufficient to determine the role of this variant in disease. Therefore, it has been classified as a Variant of Uncertain Significance. Algorithms developed to predict the effect of missense changes on protein structure and function (SIFT, PolyPhen-2, Align-GVGD) all suggest that this variant is likely to be disruptive. This variant has not been reported in the literature in individuals affected with PRDM16-related conditions. This variant is not present in population databases (ExAC no frequency). This sequence change replaces aspartic acid with tyrosine at codon 917 of the PRDM16 protein (p.Asp917Tyr). The aspartic acid residue is highly conserved and there is a large physicochemical difference between aspartic acid and tyrosine.